The following is an entry in ClinVar:

ClinVar aggregate classification (germline): Uncertain significance (1 of 4 stars; one submission).

Allele frequency attached by ClinVar (database versions not stated): gnomAD 0.00001; TOPMed below 0.00001 and 0.00001; ExAC 0.00002; ESP Exome Variant Server 0.00008; gnomAD exomes 0.00002.
gnomAD v4.1: 9 of 1,614,034 alleles (0.00056%); highest among the groups gnomAD compares: Non-Finnish European, 0.00076%; no homozygotes.

Submission:

GeneDx
Classification: Uncertain significance. Last evaluated: 2019-05-21. Review status: criteria provided, single submitter. Criteria: GeneDx Variant Classification Process June 2021. Collection method: clinical testing. Allele origin: germline. Affected: yes.
Comment: Has not been previously published as pathogenic or benign to our knowledge; Not observed at a significant frequency in large population cohorts (Lek et al., 2016); In silico analysis, which includes protein predictors and evolutionary conservation, supports that this variant does not alter protein structure/function; Occurs in the triple helical domain at the Y position in the canonical Gly-X-Y repeat; although this variant may have an effect on normal protein folding and function, missense substitution at the Y position is not a common mechanism of disease (Symoens et al., 2012; Stenson et al., 2014)

NM_000093.5(COL5A1):c.4678C>G (p.Pro1560Ala)

Genes: COL5A1 (collagen type V alpha 1 chain; plus strand), LOC101448202 (uncharacterized LOC101448202; minus strand). Cytogenetic location: 9q34.3.
Variant type: single nucleotide variant.
Coding change: c.4678C>G on transcript NM_000093.5 (MANE Select); coding-DNA position 4678, C replaced by G.
Protein change: p.Pro1560Ala; replaces proline 1560 with alanine.
Molecular consequence: missense variant.
Genome position (GRCh38, 1-based): chr9:134,823,449, C>G. VCF-style: chr9-134823449-C-G. GRCh37 (hg19) VCF-style: chr9-137715295-C-G.
Other names: c.4678C>G, p.Pro1560Ala (NM_001278074.1); short protein forms P1560A.
Identifiers: ClinVar variation 451508 (VCV000451508.3), dbSNP rs371301871, ClinGen allele CA5320418.